The following is an entry in ClinVar:

ClinVar aggregate classification (germline): Benign. Review status: criteria provided, multiple submitters, no conflicts (2 of 4 stars). 2 submissions from 2 submitters: Benign (2). Last evaluated 2018-01-12.

Conditions:
Hypercholesterolemia, familial, 4 (FHCL4). Also called: HYPERCHOLESTEROLEMIA, AUTOSOMAL RECESSIVE, 1; HYPERCHOLESTEROLEMIA, AUTOSOMAL RECESSIVE, 2. Identifiers: Orphanet 391665, MedGen C1863512, MONDO:0011374, OMIM 603813.

Allele frequency attached by ClinVar (database versions not stated): gnomAD exomes 0.45455; gnomAD 0.52881 and 0.53028; TOPMed 0.53118; 1000 Genomes Project 30x 0.57027; 1000 Genomes Project 0.57109.
gnomAD v4.1: 80,370 of 152,208 alleles (53%); highest among the groups gnomAD compares: African/African-American, 68%; 21,985 homozygotes.

Submissions (2):

Illumina Laboratory Services, Illumina
Classification: Benign for Hypercholesterolemia, familial, 4. Last evaluated: 2018-01-12. Review status: criteria provided, single submitter. Criteria: ICSL Variant Classification Criteria 13 December 2019. Collection method: clinical testing. Allele origin: germline.
Comment: This variant was observed in the ICSL laboratory as part of a predisposition screen in an ostensibly healthy population. It had not been previously curated by ICSL or reported in the Human Gene Mutation Database (HGMD: prior to June 1st, 2018), and was therefore a candidate for classification through an automated scoring system. Utilizing variant allele frequency, disease prevalence and penetrance estimates, and inheritance mode, an automated score was calculated to assess if this variant is too frequent to cause the disease. Based on the score and internal cut-off values, a variant classified as benign is not then subjected to further curation. The score for this variant resulted in a classification of benign for this disease.

Breakthrough Genomics
Classification: Benign. Review status: criteria provided, single submitter. Criteria: ACMG Guidelines, 2015. Collection method: not provided. Allele origin: germline. Inheritance: Autosomal recessive inheritance. Affected: yes.

NM_015627.3(LDLRAP1):c.*1370G>T

Gene: LDLRAP1 (low density lipoprotein receptor adaptor protein 1; plus strand). Cytogenetic location: 1p36.11.
Variant type: single nucleotide variant.
Coding change: c.*1370G>T on transcript NM_015627.3 (MANE Select); 1370 bases downstream of the stop codon, G replaced by T.
Molecular consequence: 3 prime UTR variant.
Genome position (GRCh38, 1-based): chr1:25,568,362, G>T. VCF-style: chr1-25568362-G-T. GRCh37 (hg19) VCF-style: chr1-25894853-G-T.
Identifiers: ClinVar variation 297011 (VCV000297011.6), dbSNP rs11563, ClinGen allele CA10610874.